The following is an entry in ClinVar:

ClinVar aggregate classification (germline): Uncertain significance (1 of 4 stars; one submission).

Allele frequency attached by ClinVar (database versions not stated): gnomAD exomes below 0.00001.
gnomAD v4.1: 6 of 1,613,974 alleles (0.00037%); highest among the groups gnomAD compares: East Asian, 0.0022%; no homozygotes.

Submission:

Labcorp Genetics (formerly Invitae), Labcorp
Classification: Uncertain significance. Last evaluated: 2024-10-15. Review status: criteria provided, single submitter. Criteria: Invitae Variant Classification Sherloc (09022015). Collection method: clinical testing. Allele origin: germline.
Comment: This sequence change replaces valine, which is neutral and non-polar, with alanine, which is neutral and non-polar, at codon 287 of the ARSG protein (p.Val287Ala). This variant is present in population databases (no rsID available, gnomAD 0.006%). This variant has not been reported in the literature in individuals affected with ARSG-related conditions. ClinVar contains an entry for this variant (Variation ID: 1470327). Invitae Evidence Modeling of protein sequence and biophysical properties (such as structural, functional, and spatial information, amino acid conservation, physicochemical variation, residue mobility, and thermodynamic stability) indicates that this missense variant is not expected to disrupt ARSG protein function with a negative predictive value of 80%. In summary, the available evidence is currently insufficient to determine the role of this variant in disease. Therefore, it has been classified as a Variant of Uncertain Significance.

NM_001267727.2(ARSG):c.860T>C (p.Val287Ala)

Gene: ARSG (arylsulfatase G; plus strand). Cytogenetic location: 17q24.2.
Variant type: single nucleotide variant.
Coding change: c.860T>C on transcript NM_001267727.2 (MANE Select); coding-DNA position 860, T replaced by C.
Protein change: p.Val287Ala; replaces valine 287 with alanine.
Molecular consequence: missense variant.
Genome position (GRCh38, 1-based): chr17:68,368,703, T>C. VCF-style: chr17-68368703-T-C. GRCh37 (hg19) VCF-style: chr17-66364844-T-C.
Other names: c.860T>C, p.Val287Ala (NM_001352899.2, NM_001352900.2, NM_001352901.2 and 3 more transcripts); c.857T>C, p.Val286Ala (NM_001352903.2, NM_001352904.2, NM_001352905.2 and 2 more transcripts); c.812T>C, p.Val271Ala (NM_001352909.2); short protein forms V271A, V286A, V287A.
Identifiers: ClinVar variation 1470327 (VCV001470327.8), dbSNP rs1450209042, ClinGen allele CA400745622.